The following is an entry in ClinVar:

ClinVar aggregate classification (germline): Uncertain significance (1 of 4 stars; one submission).

gnomAD v4.1: 20 of 1,614,036 alleles (0.0012%); highest among the groups gnomAD compares: Non-Finnish European, 0.0017%; no homozygotes.

Submission:

Labcorp Genetics (formerly Invitae), Labcorp
Classification: Uncertain significance. Last evaluated: 2025-04-10. Review status: criteria provided, single submitter. Criteria: Invitae Variant Classification Sherloc (09022015). Collection method: clinical testing. Allele origin: germline.
Comment: This sequence change replaces proline, which is neutral and non-polar, with leucine, which is neutral and non-polar, at codon 309 of the NDUFA9 protein (p.Pro309Leu). This variant is present in population databases (rs770505334, gnomAD 0.0009%). This variant has not been reported in the literature in individuals affected with NDUFA9-related conditions. An algorithm developed to predict the effect of missense changes on protein structure and function (PolyPhen-2) suggests that this variant is likely to be tolerated. In summary, the available evidence is currently insufficient to determine the role of this variant in disease. Therefore, it has been classified as a Variant of Uncertain Significance.

NM_005002.5(NDUFA9):c.926C>T (p.Pro309Leu)

Gene: NDUFA9 (NADH:ubiquinone oxidoreductase subunit A9; plus strand). Cytogenetic location: 12p13.32.
Variant type: single nucleotide variant.
Coding change: c.926C>T on transcript NM_005002.5 (MANE Select); coding-DNA position 926, C replaced by T.
Protein change: p.Pro309Leu; replaces proline 309 with leucine.
Molecular consequence: missense variant.
Genome position (GRCh38, 1-based): chr12:4,685,288, C>T. VCF-style: chr12-4685288-C-T. GRCh37 (hg19) VCF-style: chr12-4794454-C-T.
Other names: short protein forms P309L.
Identifiers: ClinVar variation 4701741 (VCV004701741.1).